The following is an entry in ClinVar:

ClinVar aggregate classification (germline): Likely benign (1 of 4 stars; one submission).

Allele frequency attached by ClinVar (database versions not stated): 1000 Genomes Project 30x 0.00047; TOPMed 0.00190; gnomAD 0.00203.

Submission:

CeGaT Center for Human Genetics Tuebingen
Classification: Likely benign. Last evaluated: 2023-03-01. Review status: criteria provided, single submitter. Criteria: CeGaT Center For Human Genetics Tuebingen Variant Classification Criteria Version 2. Collection method: clinical testing. Allele origin: germline. Affected: yes. Observed: 2 variant alleles.
Comment: ENSG00000272447: BS2; NUTM2B-AS1: BS2

NR_029407.1(LOC642361):n.91G>A

Genes: NUTM2B-AS1 (NUTM2B antisense RNA 1; minus strand), LOC642361 (uncharacterized LOC642361; plus strand). Cytogenetic location: 10q22.3.
Variant type: single nucleotide variant.
Molecular consequence: non-coding transcript variant (on NR_029407.1).
Genome position: GRCh38 VCF-style: chr10-79825992-G-A. GRCh37 (hg19) VCF-style: chr10-81585748-G-A.
Identifiers: ClinVar variation 2640646 (VCV002640646.23), dbSNP rs922814164, ClinGen allele CA210611212.
Genomic context (GRCh38, chr10:79,825,992, plus strand): 5'-GGCCCGGGGCACGGCGCCGCCTGCCCCTCCCCGGCAGTGCCTCCCGACCCCCTGCCCTCC[G>A]CTGGGACATGGCCTGAGGCCCCGCCCGCCGCCCGGGACCCCTCCCCCACGCTGCCCCCGG-3'